The following is an entry in ClinVar:

NM_001008216.2(GALE):c.560A>G (p.Asn187Ser)

Gene: GALE (UDP-galactose-4-epimerase; minus strand). Cytogenetic location: 1p36.11.
Variant type: single nucleotide variant.
Coding change: c.560A>G on transcript NM_001008216.2 (MANE Select); coding-DNA position 560, A replaced by G.
Protein change: p.Asn187Ser; replaces asparagine 187 with serine.
Molecular consequence: missense variant.
Genome position (GRCh38, 1-based): chr1:23,797,116, T>C on the plus strand (A>G on the coding strand, the complement: GALE is on the minus strand). VCF-style: chr1-23797116-T-C. GRCh37 (hg19) VCF-style: chr1-24123606-T-C.
Other names: c.560A>G, p.Asn187Ser (NM_000403.4, NM_001127621.2); short protein forms N187S.
Identifiers: ClinVar variation 2813496 (VCV002813496.3), dbSNP rs1351172664, ClinGen allele CA339009408.

ClinVar aggregate classification (germline): Uncertain significance (1 of 4 stars; one submission).

Conditions:
UDPglucose-4-epimerase deficiency. Also called: Epimerase Deficiency Galactosemia; GALACTOSEMIA III; GALE DEFICIENCY; UDP-GALACTOSE-4-EPIMERASE DEFICIENCY; Galactose epimerase deficiency; UDPglucose 4-Epimerase Deficiency Disease. Identifiers: Orphanet 352, Orphanet 79238, MedGen C0751161, MONDO:0009257, OMIM 230350.

Allele frequency attached by ClinVar (database versions not stated): gnomAD exomes below 0.00001; gnomAD 0.00001; TOPMed 0.00001.
gnomAD v4.1: 3 of 1,612,174 alleles (0.00019%); highest among the groups gnomAD compares: African/African-American, 0.0013%; no homozygotes.

Submission:

Labcorp Genetics (formerly Invitae), Labcorp
Classification: Uncertain significance for UDPglucose-4-epimerase deficiency. Last evaluated: 2022-11-10. Review status: criteria provided, single submitter. Criteria: Invitae Variant Classification Sherloc (09022015). Collection method: clinical testing. Allele origin: germline.
Comment: This variant has not been reported in the literature in individuals affected with GALE-related conditions. This sequence change replaces asparagine, which is neutral and polar, with serine, which is neutral and polar, at codon 187 of the GALE protein (p.Asn187Ser). This variant is present in population databases (no rsID available, gnomAD 0.003%). Advanced modeling of protein sequence and biophysical properties (such as structural, functional, and spatial information, amino acid conservation, physicochemical variation, residue mobility, and thermodynamic stability) performed at Invitae indicates that this missense variant is expected to disrupt GALE protein function. Algorithms developed to predict the effect of sequence changes on RNA splicing suggest that this variant may disrupt the consensus splice site. In summary, the available evidence is currently insufficient to determine the role of this variant in disease. Therefore, it has been classified as a Variant of Uncertain Significance.